The following is an entry in ClinVar:

ClinVar aggregate classification (germline): Likely benign (1 of 4 stars; one submission).

Allele frequency attached by ClinVar (database versions not stated): gnomAD exomes below 0.00001.
gnomAD v4.1: 4 of 1,613,020 alleles (0.00025%); highest among the groups gnomAD compares: Non-Finnish European, 0.00034%; no homozygotes.

Submission:

Laboratory for Molecular Medicine, Mass General Brigham Personalized Medicine
Classification: Likely benign. Last evaluated: 2011-12-27. Review status: criteria provided, single submitter. Criteria: LMM Criteria. Collection method: clinical testing. Allele origin: germline. Observed: 1 variant allele.
Comment: Gly200Gly in exon 4 of LDB3: This variant is not expected to have clinical signi ficance because it does not alter an amino acid residue and is not located withi n the splice consensus sequence. Gly200Gly in exon 4 of LDB3 (allele frequency = N/A)

NM_007078.3(LDB3):c.600C>T (p.Gly200=)

Gene: LDB3 (LIM domain binding 3; plus strand). Cytogenetic location: 10q23.2.
Variant type: single nucleotide variant.
Coding change: c.600C>T on transcript NM_007078.3 (MANE Select); coding-DNA position 600, C replaced by T.
Protein change: p.Gly200=; no amino-acid change (glycine 200 retained).
Molecular consequence: synonymous variant. On other transcripts: intron variant (5).
Genome position (GRCh38, 1-based): chr10:86,681,714, C>T. VCF-style: chr10-86681714-C-T. GRCh37 (hg19) VCF-style: chr10-88441471-C-T.
Other names: c.600C>T, p.Gly200= (NM_001080115.2, NM_001171610.2, NM_001171611.2 and 3 more transcripts); c.321+1557C>T (NM_001368068.1, NM_001368066.1, NM_001080114.2 and 2 more transcripts).
Identifiers: ClinVar variation 45549 (VCV000045549.4), dbSNP rs397517225, ClinGen allele CA136615.